The following is an entry in ClinVar:

NM_031935.3(HMCN1):c.13942G>T (p.Ala4648Ser)

Gene: HMCN1 (hemicentin 1; plus strand). Cytogenetic location: 1q31.1.
Variant type: single nucleotide variant.
Coding change: c.13942G>T on transcript NM_031935.3 (MANE Select); coding-DNA position 13942, G replaced by T.
Protein change: p.Ala4648Ser; replaces alanine 4648 with serine.
Molecular consequence: missense variant.
Genome position (GRCh38, 1-based): chr1:186,144,190, G>T. VCF-style: chr1-186144190-G-T. GRCh37 (hg19) VCF-style: chr1-186113322-G-T.
Other names: short protein forms A4648S.
Identifiers: ClinVar variation 294270 (VCV000294270.11), dbSNP rs367723447, ClinGen allele CA1294824.
Genomic context (GRCh38, chr1:186,144,190, plus strand): 5'-ACACGGTTCTGTGACTTGCAACTGTCTTTTGGGGTGTTTGCAGTTCATGGAGCATGGAGC[G>T]CTTGGCAGCCTTGGGGAACATGCAGCGAAAGTTGTGGGAAAGGTACTCAGACAAGAGCAA-3'
Protein context (NP_114141.2, residues 4638-4658): RPCPVHGAWS[Ala4648Ser]WQPWGTCSES

ClinVar aggregate classification (germline): Uncertain significance. Review status: criteria provided, multiple submitters, no conflicts (2 of 4 stars). 4 submissions from 4 submitters: Uncertain significance (4). Last evaluated 2025-09-23.

Conditions:
Age related macular degeneration 1 (ARMD1). Also called: MACULOPATHY, AGE-RELATED, 1. Identifiers: MedGen C1864205, MONDO:0011285, OMIM 603075.

Allele frequency attached by ClinVar (database versions not stated): TOPMed 0.00002.
gnomAD v4.1: 25 of 1,607,376 alleles (0.0016%); highest among the groups gnomAD compares: Non-Finnish European, 0.0021%; no homozygotes.

Submissions (4):

Labcorp Genetics (formerly Invitae), Labcorp
Classification: Uncertain significance. Last evaluated: 2025-09-23. Review status: criteria provided, single submitter. Criteria: Invitae Variant Classification Sherloc (09022015). Collection method: clinical testing. Allele origin: germline.
Comment: This sequence change replaces alanine, which is neutral and non-polar, with serine, which is neutral and polar, at codon 4648 of the HMCN1 protein (p.Ala4648Ser). This variant is present in population databases (rs367723447, gnomAD 0.002%). This variant has not been reported in the literature in individuals affected with HMCN1-related conditions. ClinVar contains an entry for this variant (Variation ID: 294270). An algorithm developed to predict the effect of missense changes on protein structure and function outputs the following: PolyPhen-2: "Benign". The serine amino acid residue is found in multiple mammalian species, which suggests that this missense change does not adversely affect protein function. In summary, the available evidence is currently insufficient to determine the role of this variant in disease. Therefore, it has been classified as a Variant of Uncertain Significance.

Genome-Nilou Lab
Classification: Uncertain significance for Age related macular degeneration 1. Last evaluated: 2023-04-11. Review status: criteria provided, single submitter. Criteria: ACMG Guidelines, 2015. Collection method: clinical testing. Allele origin: germline. Affected: no.

Ambry Genetics
Classification: Uncertain significance. Last evaluated: 2021-10-06. Review status: criteria provided, single submitter. Criteria: Ambry Variant Classification Scheme 2023. Collection method: clinical testing. Allele origin: germline.

Illumina Laboratory Services, Illumina
Classification: Uncertain significance for Age related macular degeneration 1. Last evaluated: 2018-01-12. Review status: criteria provided, single submitter. Criteria: ICSL Variant Classification Criteria 13 December 2019. Collection method: clinical testing. Allele origin: germline.